The following is an entry in ClinVar:

NM_001080432.3(FTO):c.*2108G>A

Gene: FTO (FTO alpha-ketoglutarate dependent dioxygenase; plus strand). Cytogenetic location: 16q12.2.
Variant type: single nucleotide variant.
Coding change: c.*2108G>A on transcript NM_001080432.3 (MANE Select); 2108 bases downstream of the stop codon, G replaced by A.
Molecular consequence: 3 prime UTR variant.
Genome position (GRCh38, 1-based): chr16:54,114,023, G>A. VCF-style: chr16-54114023-G-A. GRCh37 (hg19) VCF-style: chr16-54147935-G-A.
Other names: c.*2108G>A (NM_001363891.2, NM_001363894.2, NM_001363896.2 and 6 more transcripts); c.*2226G>A (NM_001363903.2); c.*2284G>A (NM_001363988.2).
Identifiers: ClinVar variation 319727 (VCV000319727.6), dbSNP rs708277, ClinGen allele CA10643827.

ClinVar aggregate classification (germline): Benign. Review status: criteria provided, multiple submitters, no conflicts (2 of 4 stars). 2 submissions from 2 submitters: Benign (2). Last evaluated 2018-01-12.

Conditions:
Lethal polymalformative syndrome, Boissel type. Also called: GROWTH RETARDATION, DEVELOPMENTAL DELAY, AND FACIAL DYSMORPHISM. Identifiers: Orphanet 210144, MedGen C2752001, MONDO:0013050, OMIM 612938.

Allele frequency attached by ClinVar (database versions not stated): 1000 Genomes Project 0.53694; 1000 Genomes Project 30x 0.53732; TOPMed 0.60876; gnomAD 0.61789 and 0.62297.

Submissions (2):

Illumina Laboratory Services, Illumina
Classification: Benign for Lethal polymalformative syndrome, Boissel type. Last evaluated: 2018-01-12. Review status: criteria provided, single submitter. Criteria: ICSL Variant Classification Criteria 13 December 2019. Collection method: clinical testing. Allele origin: germline.
Comment: This variant was observed in the ICSL laboratory as part of a predisposition screen in an ostensibly healthy population. It had not been previously curated by ICSL or reported in the Human Gene Mutation Database (HGMD: prior to June 1st, 2018), and was therefore a candidate for classification through an automated scoring system. Utilizing variant allele frequency, disease prevalence and penetrance estimates, and inheritance mode, an automated score was calculated to assess if this variant is too frequent to cause the disease. Based on the score and internal cut-off values, a variant classified as benign is not then subjected to further curation. The score for this variant resulted in a classification of benign for this disease.

Breakthrough Genomics
Classification: Benign. Review status: criteria provided, single submitter. Criteria: ACMG Guidelines, 2015. Collection method: not provided. Allele origin: germline. Inheritance: Autosomal recessive inheritance. Affected: yes.